The following is an entry in ClinVar:

ClinVar aggregate classification (germline): Likely pathogenic (1 of 4 stars; one submission).

Conditions:
Primary dilated cardiomyopathy (DCM). Also called: Dilated Cardiomyopathy. Identifiers: Orphanet 217604, MedGen C0007193, MeSH D002311, MONDO:0005021, HP:0001644. Inheritance: Various modes of inheritance.

Submission:

Laboratory for Molecular Medicine, Mass General Brigham Personalized Medicine
Classification: Likely pathogenic for Primary dilated cardiomyopathy. Last evaluated: 2014-01-06. Review status: criteria provided, single submitter. Criteria: LMM Criteria. Collection method: clinical testing. Allele origin: germline. Inheritance: Autosomal dominant inheritance. Observed: 1 variant allele.
Comment: proposed classification - variant undergoing re-assessment, contact laboratory

NM_000257.4(MYH7):c.5717C>G (p.Ala1906Gly)

Gene: MYH7 (myosin heavy chain 7; minus strand). Cytogenetic location: 14q11.2.
Variant type: single nucleotide variant.
Coding change: c.5717C>G on transcript NM_000257.4 (MANE Select); coding-DNA position 5717, C replaced by G.
Protein change: p.Ala1906Gly; replaces alanine 1906 with glycine.
Molecular consequence: missense variant.
Genome position (GRCh38, 1-based): chr14:23,413,832, G>C on the plus strand (C>G on the coding strand, the complement: MYH7 is on the minus strand). VCF-style: chr14-23413832-G-C. GRCh37 (hg19) VCF-style: chr14-23883041-G-C.
Other names: short protein forms A1906G.
Identifiers: ClinVar variation 43083 (VCV000043083.4), dbSNP rs397516252, ClinGen allele CA016404.
Genomic context (GRCh38, chr14:23,413,832, plus strand): 5'-TCACGGCTCTTGGCCCGCAGCTTGTTGACCTGGGACTCGGCGATGTCCGCCCGCTCCTCT[G>C]CCTCATCCAGCTCGTGCTGCACCTTGCGGAACTTGGACAGGTTGGTGTTGGCTTGCTCCT-3'
Protein context (NP_000248.2, residues 1896-1916): FRKVQHELDE[Ala1906Gly]EERADIAESQ